The following is an entry in ClinVar:

ClinVar aggregate classification (germline): Uncertain significance (1 of 4 stars; one submission).

Conditions:
Hereditary diffuse gastric adenocarcinoma (HDGC). Also called: DIFFUSE GASTRIC AND LOBULAR BREAST CANCER SYNDROME. Identifiers: Orphanet 26106, MedGen C1708349, MONDO:0007648, OMIM 137215.

Submission:

Labcorp Genetics (formerly Invitae), Labcorp
Classification: Uncertain significance for Hereditary diffuse gastric adenocarcinoma. Last evaluated: 2026-01-31. Review status: criteria provided, single submitter. Criteria: Invitae Variant Classification Sherloc (09022015). Collection method: clinical testing. Allele origin: germline.
Comment: This sequence change replaces proline, which is neutral and non-polar, with leucine, which is neutral and non-polar, at codon 743 of the CDH1 protein (p.Pro743Leu). This variant is not present in population databases (gnomAD no frequency). This variant has not been reported in the literature in individuals affected with CDH1-related conditions. ClinVar contains an entry for this variant (Variation ID: 3662092). An algorithm developed to predict the effect of missense changes on protein structure and function (PolyPhen-2) suggests that this variant is likely to be tolerated. In summary, the available evidence is currently insufficient to determine the role of this variant in disease. Therefore, it has been classified as a Variant of Uncertain Significance.

NM_004360.5(CDH1):c.2228C>T (p.Pro743Leu)

Gene: CDH1 (cadherin 1; plus strand). Cytogenetic location: 16q22.1.
Variant type: single nucleotide variant.
Coding change: c.2228C>T on transcript NM_004360.5 (MANE Select); coding-DNA position 2228, C replaced by T.
Protein change: p.Pro743Leu; replaces proline 743 with leucine.
Molecular consequence: missense variant.
Genome position (GRCh38, 1-based): chr16:68,828,237, C>T. VCF-style: chr16-68828237-C-T. GRCh37 (hg19) VCF-style: chr16-68862140-C-T.
Other names: c.2045C>T, p.Pro682Leu (NM_001317184.2); c.680C>T, p.Pro227Leu (NM_001317185.2); c.263C>T, p.Pro88Leu (NM_001317186.2); short protein forms P743L, P88L, P227L, P682L.
Identifiers: ClinVar variation 3662092 (VCV003662092.2).